The following is an entry in ClinVar:

ClinVar aggregate classification (germline): Uncertain significance (1 of 4 stars; one submission).

Conditions:
Congenital myasthenic syndrome 4A. Also called: Myasthenic syndrome, congenital, 4a, slow-channel; CONGENITAL MYASTHENIC SYNDROME TYPE Ia1; MYASTHENIC SYNDROME, CONGENITAL, 4A, SLOW-CHANNEL, AUTOSOMAL RECESSIVE. Identifiers: Orphanet 590, MedGen C4225413, MONDO:0011600, OMIM 605809.

Allele frequency attached by ClinVar (database versions not stated): gnomAD exomes below 0.00001.
gnomAD v4.1: 1 of 1,589,068 alleles (0.000063%); highest among the groups gnomAD compares: Non-Finnish European, 0.000086%; no homozygotes.

Submission:

Labcorp Genetics (formerly Invitae), Labcorp
Classification: Uncertain significance for Congenital myasthenic syndrome 4A. Last evaluated: 2023-08-04. Review status: criteria provided, single submitter. Criteria: Invitae Variant Classification Sherloc (09022015). Collection method: clinical testing. Allele origin: germline.
Comment: This variant has not been reported in the literature in individuals affected with CHRNE-related conditions. Advanced modeling of protein sequence and biophysical properties (such as structural, functional, and spatial information, amino acid conservation, physicochemical variation, residue mobility, and thermodynamic stability) performed at Invitae indicates that this missense variant is not expected to disrupt CHRNE protein function. In summary, the available evidence is currently insufficient to determine the role of this variant in disease. Therefore, it has been classified as a Variant of Uncertain Significance. This variant is not present in population databases (gnomAD no frequency). This sequence change replaces alanine, which is neutral and non-polar, with valine, which is neutral and non-polar, at codon 453 of the CHRNE protein (p.Ala453Val).

NM_000080.4(CHRNE):c.1358C>T (p.Ala453Val)

Gene: CHRNE (cholinergic receptor nicotinic epsilon subunit; minus strand). Cytogenetic location: 17p13.2.
Variant type: single nucleotide variant.
Coding change: c.1358C>T on transcript NM_000080.4 (MANE Select); coding-DNA position 1358, C replaced by T.
Protein change: p.Ala453Val; replaces alanine 453 with valine.
Molecular consequence: missense variant.
Genome position (GRCh38, 1-based): chr17:4,898,860, G>A on the plus strand (C>T on the coding strand, the complement: CHRNE is on the minus strand). VCF-style: chr17-4898860-G-A. GRCh37 (hg19) VCF-style: chr17-4802155-G-A.
Other names: short protein forms A453V.
Identifiers: ClinVar variation 2794464 (VCV002794464.3), dbSNP rs1567635469, ClinGen allele CA397297836.
Genomic context (GRCh38, chr17:4,898,860, plus strand): 5'-ATGAGGCTGGAGCCCACGCTGAAGAGCACCAGAGCGGCCCAGAAGCAGATGTTGTCAAGG[G>A]CATTCCCCATGCGCACCCAGTCGGACACTTCCTGGGGAAGGGTCGGCACAGTCAGTAAAG-3'
Protein context (NP_000071.1, residues 443-463): EVSDWVRMGN[Ala453Val]LDNICFWAAL